The following is an entry in ClinVar:

ClinVar aggregate classification (germline): Uncertain significance. Review status: criteria provided, multiple submitters, no conflicts (2 of 4 stars). 3 submissions from 3 submitters: Uncertain significance (3). Last evaluated 2024-11-10.

Conditions:
Dyskeratosis congenita, autosomal dominant 2. Identifiers: MedGen C3151443, MONDO:0013521, OMIM 613989.
Idiopathic Pulmonary Fibrosis. Also called: Idiopathic fibrosing alveolitis, chronic form; idiopathic fibrosing alveolitis. Identifiers: Orphanet 2032, MedGen C1800706, MeSH D054990, MONDO:0800504.
Dyskeratosis congenita. Identifiers: Orphanet 1775, MedGen C0265965, MONDO:0015780.

Submissions (3):

Ambry Genetics
Classification: Uncertain significance for Dyskeratosis congenita. Last evaluated: 2024-11-10. Review status: criteria provided, single submitter. Criteria: Ambry Variant Classification Scheme 2023. Collection method: clinical testing. Allele origin: germline.
Comment: The p.R672S variant (also known as c.2014C>A), located in coding exon 5 of the TERT gene, results from a C to A substitution at nucleotide position 2014. The arginine at codon 672 is replaced by serine, an amino acid with dissimilar properties. This amino acid position is conserved. In addition, the in silico prediction for this alteration is inconclusive. Based on the available evidence, the clinical significance of this variant remains unclear.

Labcorp Genetics (formerly Invitae), Labcorp
Classification: Uncertain significance for Dyskeratosis congenita, autosomal dominant 2; Idiopathic Pulmonary Fibrosis. Last evaluated: 2023-04-25. Review status: criteria provided, single submitter. Criteria: Invitae Variant Classification Sherloc (09022015). Collection method: clinical testing. Allele origin: germline.
Comment: This variant has not been reported in the literature in individuals affected with TERT-related conditions. In summary, the available evidence is currently insufficient to determine the role of this variant in disease. Therefore, it has been classified as a Variant of Uncertain Significance. Advanced modeling of protein sequence and biophysical properties (such as structural, functional, and spatial information, amino acid conservation, physicochemical variation, residue mobility, and thermodynamic stability) performed at Invitae indicates that this missense variant is expected to disrupt TERT protein function. This variant is not present in population databases (gnomAD no frequency). This sequence change replaces arginine, which is basic and polar, with serine, which is neutral and polar, at codon 672 of the TERT protein (p.Arg672Ser).

Blueprint Genetics
Classification: Uncertain significance. Last evaluated: 2021-07-23. Review status: criteria provided, single submitter. Criteria: ACMG Guidelines, 2015. Collection method: clinical testing. Allele origin: germline.

NM_198253.3(TERT):c.2014C>A (p.Arg672Ser)

Gene: TERT (telomerase reverse transcriptase; minus strand). Cytogenetic location: 5p15.33.
Variant type: single nucleotide variant.
Coding change: c.2014C>A on transcript NM_198253.3 (MANE Select); coding-DNA position 2014, C replaced by A.
Protein change: p.Arg672Ser; replaces arginine 672 with serine.
Molecular consequence: missense variant. On other transcripts: non-coding transcript variant (2).
Genome position (GRCh38, 1-based): chr5:1,279,407, G>T on the plus strand (C>A on the coding strand, the complement: TERT is on the minus strand). VCF-style: chr5-1279407-G-T. GRCh37 (hg19) VCF-style: chr5-1279522-G-T.
Other names: c.2014C>A, p.Arg672Ser (NM_001193376.3, NM_003219.1); short protein forms R672S.
Identifiers: ClinVar variation 2931877 (VCV002931877.5), dbSNP rs368430301, ClinGen allele CA359080382.